The following is an entry in ClinVar:

ClinVar aggregate classification (germline): Uncertain significance. Review status: criteria provided, multiple submitters, no conflicts (2 of 4 stars). 2 submissions from 2 submitters: Uncertain significance (2). Last evaluated 2023-11-10.

Conditions:
Periodic fever-infantile enterocolitis-autoinflammatory syndrome. Also called: Autoinflammation with infantile enterocolitis. Identifiers: Orphanet 436166, MedGen C4015067, MONDO:0014472, OMIM 616050.
Familial cold autoinflammatory syndrome 4 (FCAS4). Identifiers: Orphanet 47045, Orphanet 576349, MedGen C4015276, MONDO:0014498, OMIM 616115.
Inborn genetic diseases. Identifiers: MedGen C0950123, MeSH D030342.

Allele frequency attached by ClinVar (database versions not stated): gnomAD exomes 0.00001; ExAC 0.00002; TOPMed below 0.00001.

Submissions (2):

Ambry Genetics
Classification: Uncertain significance for Inborn genetic diseases. Last evaluated: 2023-11-10. Review status: criteria provided, single submitter. Criteria: Ambry Variant Classification Scheme 2023. Collection method: clinical testing. Allele origin: germline.

Labcorp Genetics (formerly Invitae), Labcorp
Classification: Uncertain significance for Periodic fever-infantile enterocolitis-autoinflammatory syndrome; Familial cold autoinflammatory syndrome 4. Last evaluated: 2021-07-14. Review status: criteria provided, single submitter. Criteria: Invitae Variant Classification Sherloc (09022015). Collection method: clinical testing. Allele origin: germline.
Comment: In summary, the available evidence is currently insufficient to determine the role of this variant in disease. Therefore, it has been classified as a Variant of Uncertain Significance. Algorithms developed to predict the effect of missense changes on protein structure and function (SIFT, PolyPhen-2, Align-GVGD) all suggest that this variant is likely to be tolerated. This variant has not been reported in the literature in individuals affected with NLRC4-related conditions. This variant is present in population databases (rs770833707, ExAC 0.02%). This sequence change replaces threonine with alanine at codon 631 of the NLRC4 protein (p.Thr631Ala). The threonine residue is weakly conserved and there is a small physicochemical difference between threonine and alanine.

NM_001199138.2(NLRC4):c.1891A>G (p.Thr631Ala)

Gene: NLRC4 (NLR family CARD domain containing 4; minus strand). Cytogenetic location: 2p22.3.
Variant type: single nucleotide variant.
Coding change: c.1891A>G on transcript NM_001199138.2 (MANE Select); coding-DNA position 1891, A replaced by G.
Protein change: p.Thr631Ala; replaces threonine 631 with alanine.
Molecular consequence: missense variant. On other transcripts: intron variant (1).
Genome position (GRCh38, 1-based): chr2:32,249,973, T>C on the plus strand (A>G on the coding strand, the complement: NLRC4 is on the minus strand). VCF-style: chr2-32249973-T-C. GRCh37 (hg19) VCF-style: chr2-32475042-T-C.
Other names: c.1891A>G, p.Thr631Ala (NM_001199139.2, NM_021209.5); c.262+2446A>G (NM_001302504.1); short protein forms T631A.
Identifiers: ClinVar variation 1490605 (VCV001490605.9), dbSNP rs770833707, ClinGen allele CA1601906.